The following is an entry in ClinVar:

ClinVar aggregate classification (germline): Benign/Likely benign. Review status: criteria provided, multiple submitters, no conflicts (2 of 4 stars). 2 submissions from 2 submitters: Benign (1); Likely benign (1). Last evaluated 2025-09-19.

Conditions:
Hereditary cancer-predisposing syndrome. Also called: Hereditary Cancer Syndrome; Tumor predisposition; Hereditary neoplastic syndrome; Neoplastic Syndromes, Hereditary. Identifiers: Orphanet 140162, MedGen C0027672, MeSH D009386, MONDO:0015356.
Hereditary diffuse gastric adenocarcinoma (HDGC). Also called: DIFFUSE GASTRIC AND LOBULAR BREAST CANCER SYNDROME. Identifiers: Orphanet 26106, MedGen C1708349, MONDO:0007648, OMIM 137215.

Submissions (2):

Ambry Genetics
Classification: Likely benign for Hereditary cancer-predisposing syndrome. Last evaluated: 2025-09-19. Review status: criteria provided, single submitter. Criteria: Ambry Variant Classification Scheme 2023. Collection method: clinical testing. Allele origin: germline.

Myriad Genetics, Inc.
Classification: Benign for Hereditary diffuse gastric adenocarcinoma. Last evaluated: 2024-09-18. Review status: criteria provided, single submitter. Criteria: Myriad Autosomal Dominant, Autosomal Recessive and X-Linked Classification Criteria (2023). Collection method: clinical testing. Allele origin: unknown.
Comment: This variant is considered benign. This variant is a silent/synonymous amino acid change and it is not expected to impact splicing.

NM_004360.5(CDH1):c.1131C>T (p.Pro377=)

Gene: CDH1 (cadherin 1; plus strand). Cytogenetic location: 16q22.1.
Variant type: single nucleotide variant.
Coding change: c.1131C>T on transcript NM_004360.5 (MANE Select); coding-DNA position 1131, C replaced by T.
Protein change: p.Pro377=; no amino-acid change (proline 377 retained).
Molecular consequence: synonymous variant. On other transcripts: 5 prime UTR variant (2).
Genome position (GRCh38, 1-based): chr16:68,812,257, C>T. VCF-style: chr16-68812257-C-T. GRCh37 (hg19) VCF-style: chr16-68846160-C-T.
Other names: c.1131C>T, p.Pro377= (NM_001317184.2); c.-485C>T (NM_001317185.2); c.-689C>T (NM_001317186.2).
Identifiers: ClinVar variation 3378823 (VCV003378823.2).